The following is an entry in ClinVar:

NM_000112.4(SLC26A2):c.205T>C (p.Phe69Leu)

Gene: SLC26A2 (solute carrier family 26 member 2; plus strand). Cytogenetic location: 5q32.
Variant type: single nucleotide variant.
Coding change: c.205T>C on transcript NM_000112.4 (MANE Select); coding-DNA position 205, T replaced by C.
Protein change: p.Phe69Leu; replaces phenylalanine 69 with leucine.
Molecular consequence: missense variant.
Genome position (GRCh38, 1-based): chr5:149,977,857, T>C. VCF-style: chr5-149977857-T-C. GRCh37 (hg19) VCF-style: chr5-149357420-T-C.
Other names: short protein forms F69L.
Identifiers: ClinVar variation 2092769 (VCV002092769.2), dbSNP rs2480770420, ClinGen allele CA361704366.

ClinVar aggregate classification (germline): Uncertain significance (1 of 4 stars; one submission).

Conditions:
Achondrogenesis, type IB (ACG1B). Also called: Achondrogenesis Type 1B. Identifiers: Orphanet 932, Orphanet 93298, MedGen C0265274, MONDO:0010966, OMIM 600972.
Diastrophic dysplasia (DTD). Also called: Diastrophic dwarfism. Identifiers: Orphanet 628, MedGen C0220726, MONDO:0009107, OMIM 222600.
Multiple epiphyseal dysplasia type 4 (EDM4). Also called: Multiple Epiphyseal Dysplasia, Recessive; MULTIPLE EPIPHYSEAL DYSPLASIA WITH BILAYERED PATELLAE; MULTIPLE EPIPHYSEAL DYSPLASIA WITH CLUBFOOT; MULTIPLE EPIPHYSEAL DYSPLASIA, AUTOSOMAL RECESSIVE; SLC26A2-Related Multiple Epiphyseal Dysplasia. Identifiers: Orphanet 93307, MedGen C1847593, MONDO:0009189, OMIM 226900.
Atelosteogenesis type II (AO2). Also called: NEONATAL OSSEOUS DYSPLASIA I; SLC26A2-Related Atelosteogenesis; Neonatal osseous dysplasia 1. Identifiers: Orphanet 56304, MedGen C1850554, MONDO:0009727, OMIM 256050.

Allele frequency attached by ClinVar (database versions not stated): gnomAD exomes below 0.00001.
gnomAD v4.1: 1 of 1,613,826 alleles (0.000062%); highest among the groups gnomAD compares: Non-Finnish European, 0.000085%; no homozygotes.

Submission:

Labcorp Genetics (formerly Invitae), Labcorp
Classification: Uncertain significance for Atelosteogenesis type II; Multiple epiphyseal dysplasia type 4; Achondrogenesis, type IB; Diastrophic dysplasia. Last evaluated: 2022-02-04. Review status: criteria provided, single submitter. Criteria: Invitae Variant Classification Sherloc (09022015). Collection method: clinical testing. Allele origin: germline.
Comment: In summary, the available evidence is currently insufficient to determine the role of this variant in disease. Therefore, it has been classified as a Variant of Uncertain Significance. Advanced modeling of protein sequence and biophysical properties (such as structural, functional, and spatial information, amino acid conservation, physicochemical variation, residue mobility, and thermodynamic stability) performed at Invitae indicates that this missense variant is not expected to disrupt SLC26A2 protein function. This variant has not been reported in the literature in individuals affected with SLC26A2-related conditions. This variant is not present in population databases (gnomAD no frequency). This sequence change replaces phenylalanine, which is neutral and non-polar, with leucine, which is neutral and non-polar, at codon 69 of the SLC26A2 protein (p.Phe69Leu).